The following is an entry in ClinVar:

NM_001370658.1(BTD):c.1547A>G (p.Tyr516Cys)

Gene: BTD (biotinidase; plus strand). Cytogenetic location: 3p25.1.
Variant type: single nucleotide variant.
Coding change: c.1547A>G on transcript NM_001370658.1 (MANE Select); coding-DNA position 1547, A replaced by G.
Protein change: p.Tyr516Cys; replaces tyrosine 516 with cysteine.
Molecular consequence: missense variant. On other transcripts: intron variant (8).
Genome position (GRCh38, 1-based): chr3:15,645,463, A>G. VCF-style: chr3-15645463-A-G. GRCh37 (hg19) VCF-style: chr3-15686970-A-G.
Other names: c.1547A>G, p.Tyr516Cys (NM_001407372.1, NM_001407373.1, NM_001407374.1 and 16 more transcripts); c.1015+532A>G (NM_001370752.1, NM_001407379.1); c.399+3406A>G (NM_001370753.1, NM_001407400.1, NM_001407401.1 and 3 more transcripts); short protein forms Y516C.
Identifiers: ClinVar variation 4748018 (VCV004748018.1).

ClinVar aggregate classification (germline): Uncertain significance (1 of 4 stars; one submission).

Conditions:
Biotinidase deficiency. Also called: BTD deficiency; Late-onset biotin-responsive multiple carboxylase deficiency; Biotin deficiency. Identifiers: Orphanet 79241, MedGen C0220754, MONDO:0009665, OMIM 253260.

Submission:

Labcorp Genetics (formerly Invitae), Labcorp
Classification: Uncertain significance for Biotinidase deficiency. Last evaluated: 2025-11-21. Review status: criteria provided, single submitter. Criteria: Invitae Variant Classification Sherloc (09022015). Collection method: clinical testing. Allele origin: germline.
Comment: This sequence change replaces tyrosine, which is neutral and polar, with cysteine, which is neutral and slightly polar, at codon 536 of the BTD protein (p.Tyr536Cys). This variant is not present in population databases (gnomAD no frequency). This variant has not been reported in the literature in individuals affected with BTD-related conditions. Invitae Evidence Modeling of protein sequence and biophysical properties (such as structural, functional, and spatial information, amino acid conservation, physicochemical variation, residue mobility, and thermodynamic stability) indicates that this missense variant is expected to disrupt BTD protein function with a positive predictive value of 95%. In summary, the available evidence is currently insufficient to determine the role of this variant in disease. Therefore, it has been classified as a Variant of Uncertain Significance.